The following is an entry in ClinVar:

NM_032444.4(SLX4):c.3254A>G (p.Asp1085Gly)

Gene: SLX4 (SLX4 structure-specific endonuclease subunit; minus strand). Cytogenetic location: 16p13.3.
Variant type: single nucleotide variant.
Coding change: c.3254A>G on transcript NM_032444.4 (MANE Select); coding-DNA position 3254, A replaced by G.
Protein change: p.Asp1085Gly; replaces aspartic acid 1085 with glycine.
Molecular consequence: missense variant.
Genome position (GRCh38, 1-based): chr16:3,590,384, T>C on the plus strand (A>G on the coding strand, the complement: SLX4 is on the minus strand). VCF-style: chr16-3590384-T-C. GRCh37 (hg19) VCF-style: chr16-3640385-T-C.
Other names: short protein forms D1085G.
Identifiers: ClinVar variation 1911184 (VCV001911184.5), dbSNP rs2548213090, ClinGen allele CA394520618.

ClinVar aggregate classification (germline): Uncertain significance (1 of 4 stars; one submission).

Conditions:
Fanconi anemia (FA). Also called: Fanconi's anemia. Identifiers: Orphanet 84, MedGen C0015625, MeSH D005199, MONDO:0019391.

Submission:

Labcorp Genetics (formerly Invitae), Labcorp
Classification: Uncertain significance for Fanconi anemia. Last evaluated: 2022-08-21. Review status: criteria provided, single submitter. Criteria: Invitae Variant Classification Sherloc (09022015). Collection method: clinical testing. Allele origin: germline.
Comment: Algorithms developed to predict the effect of missense changes on protein structure and function output the following: SIFT: "Tolerated"; PolyPhen-2: "Benign"; Align-GVGD: "Class C0". The glycine amino acid residue is found in multiple mammalian species, which suggests that this missense change does not adversely affect protein function. In summary, the available evidence is currently insufficient to determine the role of this variant in disease. Therefore, it has been classified as a Variant of Uncertain Significance. This variant has not been reported in the literature in individuals affected with SLX4-related conditions. This variant is not present in population databases (gnomAD no frequency). This sequence change replaces aspartic acid, which is acidic and polar, with glycine, which is neutral and non-polar, at codon 1085 of the SLX4 protein (p.Asp1085Gly).